The following is an entry in ClinVar:

ClinVar aggregate classification (germline): Likely benign (0 of 4 stars; one submission).

Conditions:
AIMP2-related disorder. Also called: AIMP2-related condition.

Allele frequency attached by ClinVar (database versions not stated): gnomAD 0.00001; gnomAD exomes 0.00001; ExAC 0.00002.
gnomAD v4.1: 18 of 1,598,818 alleles (0.0011%); highest among the groups gnomAD compares: South Asian, 0.009%; no homozygotes.

Submission:

PreventionGenetics, part of Exact Sciences
Classification: Likely benign for AIMP2-related condition. Last evaluated: 2021-10-29. Review status: no assertion criteria provided. Collection method: clinical testing. Allele origin: germline.
Comment: This variant is classified as likely benign based on ACMG/AMP sequence variant interpretation guidelines (Richards et al. 2015 PMID: 25741868, with internal and published modifications).

NM_006303.4(AIMP2):c.585G>A (p.Thr195=)

Genes: AIMP2 (aminoacyl tRNA synthetase complex interacting multifunctional protein 2; plus strand), EIF2AK1 (eukaryotic translation initiation factor 2 alpha kinase 1; minus strand). Cytogenetic location: 7p22.1.
Variant type: single nucleotide variant.
Coding change: c.585G>A on transcript NM_006303.4 (MANE Select); coding-DNA position 585, G replaced by A.
Protein change: p.Thr195=; no amino-acid change (threonine 195 retained).
Molecular consequence: synonymous variant. On other transcripts: 3 prime UTR variant (2).
Genome position (GRCh38, 1-based): chr7:6,023,313, G>A. VCF-style: chr7-6023313-G-A. GRCh37 (hg19) VCF-style: chr7-6062944-G-A.
Other names: c.*1360C>T (NM_001134335.2, NM_014413.4); c.465G>A, p.Thr155= (NM_001326606.2); c.378G>A, p.Thr126= (NM_001326607.2); c.351G>A, p.Thr117= (NM_001326609.2, NM_001326610.2, NM_001326611.3); c.498G>A, p.Thr166= (NM_001362785.2); c.453G>A, p.Thr151= (NM_001362787.2).
Identifiers: ClinVar variation 3029218 (VCV003029218.2), dbSNP rs767064905, ClinGen allele CA4150425.